The following is an entry in ClinVar:

NM_017777.4(MKS1):c.34G>T (p.Glu12Ter)

Genes: MKS1 (MKS transition zone complex subunit 1; minus strand), LOC130061271 (ATAC-STARR-seq lymphoblastoid active region 12461; plus strand). Cytogenetic location: 17q22.
Variant type: single nucleotide variant.
Coding change: c.34G>T on transcript NM_017777.4 (MANE Select); coding-DNA position 34, G replaced by T.
Protein change: p.Glu12Ter; replaces glutamic acid 12 with a stop codon.
Molecular consequence: nonsense. On other transcripts: 5 prime UTR variant (1).
Genome position (GRCh38, 1-based): chr17:58,219,197, C>A on the plus strand (G>T on the coding strand, the complement: MKS1 is on the minus strand). VCF-style: chr17-58219197-C-A. GRCh37 (hg19) VCF-style: chr17-56296558-C-A.
Other names: c.-478G>T (NM_001321268.2); c.34G>T, p.Glu12Ter (NM_001321269.2, NM_001330397.2); short protein forms E12*.
Identifiers: ClinVar variation 1070776 (VCV001070776.7), dbSNP rs1183365510, ClinGen allele CA400328193.
Genomic context (GRCh38, chr17:58,219,197, plus strand): 5'-GGCGGTGCGACTACCGGAGGCGCAAGTTGCGCACGGGGTCCCGGGAGCGATACACTGCCT[C>A]CCCGGTGTCAGTGCTCCAGACGGTCTCCGCCATGACAGCTGCGACGCGCCGCGACTGCGC-3'

ClinVar aggregate classification (germline): Pathogenic (1 of 4 stars; one submission).

Conditions:
Joubert syndrome. Also called: Familial aplasia of the vermis; CEREBELLOPARENCHYMAL DISORDER IV; JOUBERT-BOLTSHAUSER SYNDROME. Identifiers: Orphanet 475, MedGen C5979921, MONDO:0018772.
Meckel-Gruber syndrome. Also called: Dysencephalia splachnocystica; DYSENCEPHALIA SPLANCHNOCYSTICA; GRUBER SYNDROME. Identifiers: Orphanet 564, MedGen C0265215, MONDO:0018921.

Submission:

Labcorp Genetics (formerly Invitae), Labcorp
Classification: Pathogenic for Joubert syndrome; Meckel-Gruber syndrome. Last evaluated: 2023-08-10. Review status: criteria provided, single submitter. Criteria: Invitae Variant Classification Sherloc (09022015). Collection method: clinical testing. Allele origin: germline.
Comment: For these reasons, this variant has been classified as Pathogenic. Algorithms developed to predict the effect of sequence changes on RNA splicing suggest that this variant may disrupt the consensus splice site. ClinVar contains an entry for this variant (Variation ID: 1070776). This variant has not been reported in the literature in individuals affected with MKS1-related conditions. This variant is not present in population databases (gnomAD no frequency). This sequence change creates a premature translational stop signal (p.Glu12*) in the MKS1 gene. It is expected to result in an absent or disrupted protein product. Loss-of-function variants in MKS1 are known to be pathogenic (PMID: 19466712, 24886560, 26490104).

Literature cited by the submitters: PubMed 19466712; PubMed 24886560; PubMed 26490104.